The following is an entry in ClinVar:

NM_005085.4(NUP214):c.4133dup (p.Val1379fs)

Gene: NUP214 (nucleoporin 214; plus strand). Cytogenetic location: 9q34.13.
Variant type: Duplication.
Coding change: c.4133dup on transcript NM_005085.4 (MANE Select); coding-DNA position 4133, one base duplicated (C; older notation c.4133dupC).
Protein change: p.Val1379fs; shifts the reading frame from valine 1379.
Molecular consequence: frameshift variant.
Genome position (GRCh38, 1-based): chr9:131,197,627, C duplicated; the last of 7 consecutive C bases (chr9:131,197,621-131,197,627); duplicating any one gives the same sequence. VCF-style (leftmost placement, unchanged base first): chr9-131197620-G-GC. GRCh37 (hg19) VCF-style: chr9-134073007-G-GC.
Other names: c.4103dup, p.Val1369fs (NM_001318324.2); c.611dup, p.Val205fs (NM_001318325.2); short protein forms V1369fs, V1379fs, V205fs.
Identifiers: ClinVar variation 2504272 (VCV002504272.2), dbSNP rs780417788, ClinGen allele CA5289883.

ClinVar aggregate classification (germline): Uncertain significance. Review status: criteria provided, multiple submitters, no conflicts (2 of 4 stars). 2 submissions from 2 submitters: Uncertain significance (2). Last evaluated 2023-02-05.

Conditions:
Encephalopathy, acute, infection-induced, susceptibility to, 9. Identifiers: MedGen C5193089, MONDO:0032742, OMIM 618426.

Submissions (2):

GeneDx
Classification: Uncertain significance. Last evaluated: 2023-02-05. Review status: criteria provided, single submitter. Criteria: GeneDx Variant Classification Process June 2021. Collection method: clinical testing. Allele origin: germline. Affected: yes.
Comment: Frameshift variant predicted to result in protein truncation or nonsense mediated decay in a gene for which loss-of-function is a known mechanism of disease; Has not been previously published as pathogenic or benign to our knowledge

Department of Pathology and Laboratory Medicine, Sinai Health System
Classification: Uncertain significance for encephalopathy, acute, infection-induced, susceptibility to, 9. Last evaluated: 2021-07-30. Review status: criteria provided, single submitter. Criteria: ACMG Guidelines, 2015. Collection method: research. Allele origin: germline.